The following is an entry in ClinVar:

NM_000057.4(BLM):c.2192A>G (p.Asp731Gly)

Gene: BLM (BLM RecQ like helicase; plus strand). Cytogenetic location: 15q26.1.
Variant type: single nucleotide variant.
Coding change: c.2192A>G on transcript NM_000057.4 (MANE Select); coding-DNA position 2192, A replaced by G.
Protein change: p.Asp731Gly; replaces aspartic acid 731 with glycine.
Molecular consequence: missense variant.
Genome position (GRCh38, 1-based): chr15:90,765,413, A>G. VCF-style: chr15-90765413-A-G. GRCh37 (hg19) VCF-style: chr15-91308643-A-G.
Other names: c.2192A>G, p.Asp731Gly (NM_001287246.2, NM_001287247.2); c.1067A>G, p.Asp356Gly (NM_001287248.2); short protein forms D356G, D731G.
Identifiers: ClinVar variation 4211753 (VCV004211753.1).

ClinVar aggregate classification (germline): Uncertain significance (1 of 4 stars; one submission).

Conditions:
Hereditary cancer-predisposing syndrome. Also called: Neoplastic Syndromes, Hereditary; Tumor predisposition; Hereditary Cancer Syndrome; Hereditary neoplastic syndrome. Identifiers: Orphanet 140162, MedGen C0027672, MeSH D009386, MONDO:0015356.

Submission:

Ambry Genetics
Classification: Uncertain significance for Hereditary cancer-predisposing syndrome. Last evaluated: 2025-07-14. Review status: criteria provided, single submitter. Criteria: Ambry Variant Classification Scheme 2023. Collection method: clinical testing. Allele origin: germline.
Comment: The p.D731G variant (also known as c.2192A>G), located in coding exon 8 of the BLM gene, results from an A to G substitution at nucleotide position 2192. The aspartic acid at codon 731 is replaced by glycine, an amino acid with similar properties. This amino acid position is conserved. In addition, this alteration is predicted to be deleterious by in silico analysis. Based on the available evidence, the clinical significance of this variant remains unclear.